The following is an entry in ClinVar:

NM_003108.4(SOX11):c.1057AGC[3] (p.Ser354_Gly355insSer)

Gene: SOX11 (SRY-box transcription factor 11; plus strand). Cytogenetic location: 2p25.2.
Variant type: Microsatellite.
Coding change: c.1057AGC[3] on transcript NM_003108.4 (MANE Select); three copies in a row of the 3-base unit AGC starting at c.1057; the reference has two copies in a row; one copy, 3 bases duplicated.
Protein change: p.Ser354_Gly355insSer.
Molecular consequence: inframe insertion.
Genome position (GRCh38, 1-based): chr2:5,693,781-5,693,783, AGC duplicated; duplicating any 3 consecutive bases within chr2:5,693,776-5,693,783 gives the same sequence; the position shown is the placement nearest the transcript's 3' end. VCF-style (leftmost placement, unchanged base first): chr2-5693775-G-GGCA. GRCh37 (hg19) VCF-style: chr2-5833907-G-GGCA.
Identifiers: ClinVar variation 3067523 (VCV003067523.21), dbSNP rs2465088780, ClinGen allele CA2825001124.

ClinVar aggregate classification (germline): Uncertain significance (1 of 4 stars; one submission).

Submission:

CeGaT Center for Human Genetics Tuebingen
Classification: Uncertain significance. Last evaluated: 2024-03-01. Review status: criteria provided, single submitter. Criteria: CeGaT Center For Human Genetics Tuebingen Variant Classification Criteria Version 2. Collection method: clinical testing. Allele origin: germline. Affected: yes. Observed: 1 variant allele.
Comment: SOX11: PM2, PM4:Supporting